The following is an entry in ClinVar:

ClinVar aggregate classification (germline): Likely pathogenic (1 of 4 stars; one submission).

Conditions:
Brody myopathy. Also called: BRODY DISEASE. Identifiers: Orphanet 53347, MedGen C1832918, MONDO:0010977, OMIM 601003.

Submission:

Labcorp Genetics (formerly Invitae), Labcorp
Classification: Likely pathogenic for Brody myopathy. Last evaluated: 2019-01-23. Review status: criteria provided, single submitter. Criteria: Invitae Variant Classification Sherloc (09022015). Collection method: clinical testing. Allele origin: germline.
Comment: This sequence change affects a donor splice site in intron 4 of the ATP2A1 gene. It is expected to disrupt RNA splicing and likely results in an absent or disrupted protein product. This variant is not present in population databases (ExAC no frequency). This variant has not been reported in the literature in individuals with ATP2A1-related conditions. Algorithms developed to predict the effect of sequence changes on RNA splicing suggest that this variant may disrupt the consensus splice site, but this prediction has not been confirmed by published transcriptional studies. Donor and acceptor splice site variants typically lead to a loss of protein function (PMID: 16199547), and loss-of-function variants in ATP2A1 are known to be pathogenic (PMID: 8841193, 10914677, 23911890). In summary, the currently available evidence indicates that the variant is pathogenic, but additional data are needed to prove that conclusively. Therefore, this variant has been classified as Likely Pathogenic.

Literature cited by the submitters: PubMed 23911890; PubMed 10914677; PubMed 8841193.

NM_004320.6(ATP2A1):c.324+1G>C

Gene: ATP2A1 (ATPase sarcoplasmic/endoplasmic reticulum Ca2+ transporting 1; plus strand). Cytogenetic location: 16p11.2.
Variant type: single nucleotide variant.
Coding change: c.324+1G>C on transcript NM_004320.6 (MANE Select); the canonical splice donor site of the intron after coding-DNA position 324, G replaced by C.
Molecular consequence: splice donor variant.
Genome position (GRCh38, 1-based): chr16:28,881,020, G>C. VCF-style: chr16-28881020-G-C. GRCh37 (hg19) VCF-style: chr16-28892341-G-C.
Other names: c.324+1G>C (NM_173201.5); c.-52+1G>C (NM_001286075.2).
Identifiers: ClinVar variation 862995 (VCV000862995.1), dbSNP rs1963456518, ClinGen allele CA395400767.